The following is an entry in ClinVar:

ClinVar aggregate classification (germline): Uncertain significance (1 of 4 stars; one submission).

Allele frequency attached by ClinVar (database versions not stated): gnomAD 0.00001; gnomAD exomes 0.00001 and 0.00004; ExAC 0.00002; TOPMed 0.00003.
gnomAD v4.1: 23 of 1,614,008 alleles (0.0014%); highest among the groups gnomAD compares: East Asian, 0.016%; no homozygotes.

Submission:

Labcorp Genetics (formerly Invitae), Labcorp
Classification: Uncertain significance. Last evaluated: 2024-12-25. Review status: criteria provided, single submitter. Criteria: Invitae Variant Classification Sherloc (09022015). Collection method: clinical testing. Allele origin: germline.
Comment: This sequence change replaces valine, which is neutral and non-polar, with isoleucine, which is neutral and non-polar, at codon 332 of the SLC1A3 protein (p.Val332Ile). This variant is present in population databases (rs774323789, gnomAD 0.05%). This variant has not been reported in the literature in individuals affected with SLC1A3-related conditions. ClinVar contains an entry for this variant (Variation ID: 1359871). Invitae Evidence Modeling of protein sequence and biophysical properties (such as structural, functional, and spatial information, amino acid conservation, physicochemical variation, residue mobility, and thermodynamic stability) indicates that this missense variant is not expected to disrupt SLC1A3 protein function with a negative predictive value of 80%. In summary, the available evidence is currently insufficient to determine the role of this variant in disease. Therefore, it has been classified as a Variant of Uncertain Significance.

NM_004172.5(SLC1A3):c.994G>A (p.Val332Ile)

Genes: SLC1A3 (solute carrier family 1 member 3; plus strand), SLC1A3-AS1 (SLC1A3 antisense RNA 1; minus strand). Cytogenetic location: 5p13.2.
Variant type: single nucleotide variant.
Coding change: c.994G>A on transcript NM_004172.5 (MANE Select); coding-DNA position 994, G replaced by A.
Protein change: p.Val332Ile; replaces valine 332 with isoleucine.
Molecular consequence: missense variant.
Genome position (GRCh38, 1-based): chr5:36,679,760, G>A. VCF-style: chr5-36679760-G-A. GRCh37 (hg19) VCF-style: chr5-36679862-G-A.
Other names: c.994G>A, p.Val332Ile (NM_001166695.3); c.856G>A, p.Val286Ile (NM_001289939.2); c.658G>A, p.Val220Ile (NM_001289940.2); short protein forms V220I, V332I, V286I.
Identifiers: ClinVar variation 1359871 (VCV001359871.7), dbSNP rs774323789, ClinGen allele CA3235591.